The following is an entry in ClinVar:

NM_005902.4(SMAD3):c.659-2A>G

Gene: SMAD3 (SMAD family member 3; plus strand). Cytogenetic location: 15q22.33.
Variant type: single nucleotide variant.
Coding change: c.659-2A>G on transcript NM_005902.4 (MANE Select); the canonical splice acceptor site of the intron before coding-DNA position 659, A replaced by G.
Molecular consequence: splice acceptor variant.
Genome position (GRCh38, 1-based): chr15:67,181,239, A>G. VCF-style: chr15-67181239-A-G. GRCh37 (hg19) VCF-style: chr15-67473577-A-G.
Other names: c.659-2A>G (NM_001407011.1, NM_001407013.1); c.527-2A>G (NM_001407012.1, NM_001145103.2); c.512-2A>G (NM_001407014.1); c.344-2A>G (NM_001145102.2, NM_001407016.1); c.212-2A>G (NM_001407015.1); c.74-2A>G (NM_001145104.2, NM_001407017.1).
Identifiers: ClinVar variation 2764281 (VCV002764281.3), dbSNP rs2505282768, ClinGen allele CA392955816.

ClinVar aggregate classification (germline): Likely pathogenic (1 of 4 stars; one submission).

Conditions:
Familial thoracic aortic aneurysm and aortic dissection (TAAD). Also called: Thoracic aortic aneurysms and dissections. Identifiers: Orphanet 91387, MedGen C4707243, MONDO:0019625.

Submission:

Labcorp Genetics (formerly Invitae), Labcorp
Classification: Likely pathogenic for Familial thoracic aortic aneurysm and aortic dissection. Last evaluated: 2023-09-29. Review status: criteria provided, single submitter. Criteria: Invitae Variant Classification Sherloc (09022015). Collection method: clinical testing. Allele origin: germline.
Comment: Algorithms developed to predict the effect of sequence changes on RNA splicing suggest that this variant may disrupt the consensus splice site. In summary, the currently available evidence indicates that the variant is pathogenic, but additional data are needed to prove that conclusively. Therefore, this variant has been classified as Likely Pathogenic. This variant has not been reported in the literature in individuals affected with SMAD3-related conditions. This variant is not present in population databases (gnomAD no frequency). This sequence change affects an acceptor splice site in intron 5 of the SMAD3 gene. It is expected to disrupt RNA splicing. Variants that disrupt the donor or acceptor splice site typically lead to a loss of protein function (PMID: 16199547), and loss-of-function variants in SMAD3 are known to be pathogenic (PMID: 21778426, 24804794).

Literature cited by the submitters: PubMed 16199547; PubMed 21778426; PubMed 24804794.